The following is an entry in ClinVar:

ClinVar aggregate classification (germline): Uncertain significance. Review status: criteria provided, multiple submitters, no conflicts (2 of 4 stars). 3 submissions from 3 submitters: Uncertain significance (3). Last evaluated 2026-01-24.

Conditions:
Perlman syndrome (PRLMNS). Identifiers: Orphanet 2849, MedGen C0796113, MONDO:0009965, OMIM 267000.

Allele frequency attached by ClinVar (database versions not stated): ExAC 0.00002; gnomAD exomes 0.00002; TOPMed 0.00002; gnomAD 0.00003 and 0.00004.
gnomAD v4.1: 28 of 1,612,730 alleles (0.0017%); highest among the groups gnomAD compares: African/African-American, 0.0027%; no homozygotes.

Submissions (3):

Labcorp Genetics (formerly Invitae), Labcorp
Classification: Uncertain significance for Perlman syndrome. Last evaluated: 2026-01-24. Review status: criteria provided, single submitter. Criteria: Invitae Variant Classification Sherloc (09022015). Collection method: clinical testing. Allele origin: germline.
Comment: This sequence change replaces arginine, which is basic and polar, with glutamine, which is neutral and polar, at codon 687 of the DIS3L2 protein (p.Arg687Gln). This variant is present in population databases (rs749596505, gnomAD 0.005%). This variant has not been reported in the literature in individuals affected with DIS3L2-related conditions. ClinVar contains an entry for this variant (Variation ID: 241969). Invitae Evidence Modeling of protein sequence and biophysical properties (such as structural, functional, and spatial information, amino acid conservation, physicochemical variation, residue mobility, and thermodynamic stability) indicates that this missense variant is not expected to disrupt DIS3L2 protein function with a negative predictive value of 80%. In summary, the available evidence is currently insufficient to determine the role of this variant in disease. Therefore, it has been classified as a Variant of Uncertain Significance.

Sema4
Classification: Uncertain significance for Perlman syndrome. Last evaluated: 2021-04-07. Review status: criteria provided, single submitter. Criteria: Sema4 Curation Guidelines. Collection method: curation. Allele origin: germline.
Comment: The DIS3L2 c.2060G>A (p.R687Q) variant has not been reported in the literature to our knowledge. It was observed in 1/19504 chromosomes of the East Asian subpopulation in the large and broad cohorts of the Genome Aggregation Database. The variant has been reported in ClinVar (Variation ID 241969). In silico tools suggest the impact of the variant on protein function is benign, though these predictions have not been confirmed by functional studies. The evidence is insufficient to meet ACMG/AMP criteria for classifying the variant as benign or pathogenic. Thus, the clinical significance of this variant is currently uncertain.

Illumina Laboratory Services, Illumina
Classification: Uncertain significance for Perlman syndrome. Last evaluated: 2018-01-13. Review status: criteria provided, single submitter. Criteria: ICSL Variant Classification Criteria 13 December 2019. Collection method: clinical testing. Allele origin: germline.

NM_152383.5(DIS3L2):c.2060G>A (p.Arg687Gln)

Gene: DIS3L2 (DIS3 like 3'-5' exoribonuclease 2; plus strand). Cytogenetic location: 2q37.1.
Variant type: single nucleotide variant.
Coding change: c.2060G>A on transcript NM_152383.5 (MANE Select); coding-DNA position 2060, G replaced by A.
Protein change: p.Arg687Gln; replaces arginine 687 with glutamine.
Molecular consequence: missense variant. On other transcripts: non-coding transcript variant (2), intron variant (1).
Genome position (GRCh38, 1-based): chr2:232,333,889, G>A. VCF-style: chr2-232333889-G-A. GRCh37 (hg19) VCF-style: chr2-233198599-G-A.
Other names: c.1582-9456G>A (NM_001257281.2); short protein forms R687Q.
Identifiers: ClinVar variation 241969 (VCV000241969.16), dbSNP rs749596505, ClinGen allele CA2164386.